The following is an entry in ClinVar:

ClinVar aggregate classification (germline): Uncertain significance (1 of 4 stars; one submission).

Submission:

Labcorp Genetics (formerly Invitae), Labcorp
Classification: Uncertain significance. Last evaluated: 2021-09-10. Review status: criteria provided, single submitter. Criteria: Invitae Variant Classification Sherloc (09022015). Collection method: clinical testing. Allele origin: germline.
Comment: This sequence change replaces lysine with asparagine at codon 4405 of the ADGRV1 protein (p.Lys4405Asn). The lysine residue is moderately conserved and there is a moderate physicochemical difference between lysine and asparagine. This variant is not present in population databases (ExAC no frequency). This variant has not been reported in the literature in individuals affected with ADGRV1-related conditions. Algorithms developed to predict the effect of missense changes on protein structure and function (SIFT, PolyPhen-2, Align-GVGD) all suggest that this variant is likely to be tolerated. In summary, the available evidence is currently insufficient to determine the role of this variant in disease. Therefore, it has been classified as a Variant of Uncertain Significance.

NM_032119.4(ADGRV1):c.13215G>T (p.Lys4405Asn)

Gene: ADGRV1 (adhesion G protein-coupled receptor V1; plus strand). Cytogenetic location: 5q14.3.
Variant type: single nucleotide variant.
Coding change: c.13215G>T on transcript NM_032119.4 (MANE Select); coding-DNA position 13215, G replaced by T.
Protein change: p.Lys4405Asn; replaces lysine 4405 with asparagine.
Molecular consequence: missense variant. On other transcripts: non-coding transcript variant (1).
Genome position (GRCh38, 1-based): chr5:90,781,562, G>T. VCF-style: chr5-90781562-G-T. GRCh37 (hg19) VCF-style: chr5-90077379-G-T.
Other names: short protein forms K4405N.
Identifiers: ClinVar variation 1405020 (VCV001405020.6), dbSNP rs894140920, ClinGen allele CA360392160.